The following is an entry in ClinVar:

NM_022132.5(MCCC2):c.1590_1591delinsTT (p.Ile531Phe)

Gene: MCCC2 (methylcrotonyl-CoA carboxylase subunit 2; plus strand). Cytogenetic location: 5q13.2.
Variant type: Indel.
Coding change: c.1590_1591delinsTT on transcript NM_022132.5 (MANE Select); coding-DNA positions 1590 to 1591, GA replaced by TT.
Protein change: p.Ile531Phe; replaces isoleucine 531 with phenylalanine.
Molecular consequence: missense variant.
Genome position (GRCh38, 1-based): chr5:71,656,758-71,656,759, GA replaced by TT. VCF-style: chr5-71656758-GA-TT. GRCh37 (hg19) VCF-style: chr5-70952585-GA-TT.
Other names: c.1476_1477delinsTT, p.Ile493Phe (NM_001363147.1); short protein forms I531F, I493F.
Identifiers: ClinVar variation 1521582 (VCV001521582.6), dbSNP rs2112478243, ClinGen allele CA2573139760.
Genomic context (GRCh38, chr5:71,656,758, plus strand): 5'-TAGTTTGGTGGTAAATTCATAACTCTTTTTTTGTTCTTTTGTCAGGGTATGGGATGATGG[GA>TT]TCATTGATCCAGCAGACACCAGACTGGTCTTGGGTCTCAGTTTTAGTGCAGCCCTCAACG-3'
Protein context (NP_071415.1, residues 521-541): YSSARVWDDG[Ile531Phe]IDPADTRLVL

ClinVar aggregate classification (germline): Uncertain significance (1 of 4 stars; one submission).

Conditions:
3-methylcrotonyl-CoA carboxylase 2 deficiency. Also called: 3 alpha methylcrotonyl-CoA carboxylase 2 deficiency; 3 alpha methylcrotonylglycinuria 2; MCC 2 deficiency; Methylcrotonylglycinuria type 2; METHYLCROTONYLGLYCINURIA, TYPE II. Identifiers: Orphanet 6, MedGen C1859499, MONDO:0008862, OMIM 210210.

Submission:

Labcorp Genetics (formerly Invitae), Labcorp
Classification: Uncertain significance for 3-methylcrotonyl-CoA carboxylase 2 deficiency. Last evaluated: 2021-04-06. Review status: criteria provided, single submitter. Criteria: Invitae Variant Classification Sherloc (09022015). Collection method: clinical testing. Allele origin: germline.
Comment: In summary, the available evidence is currently insufficient to determine the role of this variant in disease. Therefore, it has been classified as a Variant of Uncertain Significance. Algorithms developed to predict the effect of missense changes on protein structure and function are either unavailable or do not agree on the potential impact of this missense change (SIFT: "Deleterious"; PolyPhen-2: "Probably Damaging"; Align-GVGD: "Class C0"). This variant has not been reported in the literature in individuals with MCCC2-related conditions. This variant is not present in population databases (ExAC no frequency). This sequence change replaces isoleucine with phenylalanine at codon 531 of the MCCC2 protein (p.Ile531Phe). The isoleucine residue is highly conserved and there is a small physicochemical difference between isoleucine and phenylalanine.